The following is an entry in ClinVar:

NM_001430.5(EPAS1):c.345C>T (p.Ile115=)

Gene: EPAS1 (endothelial PAS domain protein 1; plus strand). Cytogenetic location: 2p21.
Variant type: single nucleotide variant.
Coding change: c.345C>T on transcript NM_001430.5 (MANE Select); coding-DNA position 345, C replaced by T.
Protein change: p.Ile115=; no amino-acid change (isoleucine 115 retained).
Molecular consequence: synonymous variant.
Genome position (GRCh38, 1-based): chr2:46,356,278, C>T. VCF-style: chr2-46356278-C-T. GRCh37 (hg19) VCF-style: chr2-46583417-C-T.
Identifiers: ClinVar variation 898829 (VCV000898829.7), dbSNP rs542625493, ClinGen allele CA1644610.

ClinVar aggregate classification (germline): Benign/Likely benign. Review status: criteria provided, multiple submitters, no conflicts (2 of 4 stars). 3 submissions from 3 submitters: Benign (1); Likely benign (2). Last evaluated 2023-10-26.

Conditions:
Inborn genetic diseases. Identifiers: MedGen C0950123, MeSH D030342.
Erythrocytosis, familial, 4 (ECYT4). Identifiers: Orphanet 247511, MedGen C2673187, MONDO:0012729, OMIM 611783.

Allele frequency attached by ClinVar (database versions not stated): gnomAD exomes 0.00002 and 0.00011; gnomAD 0.00004 and 0.00006; TOPMed 0.00006; ExAC 0.00008; 1000 Genomes Project 30x 0.00047; 1000 Genomes Project 0.00060.
gnomAD v4.1: 36 of 1,614,214 alleles (0.0022%); highest among the groups gnomAD compares: East Asian, 0.069%; no homozygotes.

Submissions (3):

Blueprint Genetics
Classification: Likely benign. Last evaluated: 2023-10-26. Review status: criteria provided, single submitter. Criteria: ACMG Guidelines, 2015. Collection method: clinical testing. Allele origin: germline.

Ambry Genetics
Classification: Likely benign for Inborn genetic diseases. Last evaluated: 2022-02-13. Review status: criteria provided, single submitter. Criteria: Ambry Variant Classification Scheme 2023. Collection method: clinical testing. Allele origin: germline.

Illumina Laboratory Services, Illumina
Classification: Benign for Erythrocytosis, familial, 4. Last evaluated: 2018-01-13. Review status: criteria provided, single submitter. Criteria: ICSL Variant Classification Criteria 13 December 2019. Collection method: clinical testing. Allele origin: germline.
Comment: This variant was observed in the ICSL laboratory as part of a predisposition screen in an ostensibly healthy population. It had not been previously curated by ICSL or reported in the Human Gene Mutation Database (HGMD: prior to June 1st, 2018), and was therefore a candidate for classification through an automated scoring system. Utilizing variant allele frequency, disease prevalence and penetrance estimates, and inheritance mode, an automated score was calculated to assess if this variant is too frequent to cause the disease. Based on the score and internal cut-off values, a variant classified as benign is not then subjected to further curation. The score for this variant resulted in a classification of benign for this disease.